The following is an entry in ClinVar:

ClinVar aggregate classification (germline): Uncertain significance (1 of 4 stars; one submission).

gnomAD v4.1: 1 of 1,605,484 alleles (0.000062%); highest among the groups gnomAD compares: African/African-American, 0.0013%; no homozygotes.

Submission:

Ambry Genetics
Classification: Uncertain significance. Last evaluated: 2022-05-19. Review status: criteria provided, single submitter. Criteria: Ambry Variant Classification Scheme 2023. Collection method: clinical testing. Allele origin: germline.
Comment: The p.S44R variant (also known as c.130A>C), located in coding exon 3 of the RINT1 gene, results from an A to C substitution at nucleotide position 130. The serine at codon 44 is replaced by arginine, an amino acid with dissimilar properties. This amino acid position is conserved. In addition, this alteration is predicted to be tolerated by in silico analysis. Since supporting evidence is limited at this time, the clinical significance of this alteration remains unclear.

NM_021930.6(RINT1):c.130A>C (p.Ser44Arg)

Gene: RINT1 (RAD50 interactor 1; plus strand). Cytogenetic location: 7q22.3.
Variant type: single nucleotide variant.
Coding change: c.130A>C on transcript NM_021930.6 (MANE Select); coding-DNA position 130, A replaced by C.
Protein change: p.Ser44Arg; replaces serine 44 with arginine.
Molecular consequence: missense variant. On other transcripts: synonymous variant (1), 5 prime UTR variant (3), non-coding transcript variant (1).
Genome position (GRCh38, 1-based): chr7:105,536,606, A>C. VCF-style: chr7-105536606-A-C. GRCh37 (hg19) VCF-style: chr7-105177053-A-C.
Other names: c.33A>C, p.Ser11= (NM_001346599.2); c.-890A>C (NM_001346600.2); c.-793A>C (NM_001346601.2); c.-413A>C (NM_001346603.2); short protein forms S44R.
Identifiers: ClinVar variation 1769605 (VCV001769605.2), dbSNP rs1015150939, ClinGen allele CA164046970.